The following is an entry in ClinVar:

NM_023935.3(DDRGK1):c.392G>A (p.Arg131Gln)

Gene: DDRGK1 (DDRGK domain containing 1; minus strand). Cytogenetic location: 20p13.
Variant type: single nucleotide variant.
Coding change: c.392G>A on transcript NM_023935.3 (MANE Select); coding-DNA position 392, G replaced by A.
Protein change: p.Arg131Gln; replaces arginine 131 with glutamine.
Molecular consequence: missense variant.
Genome position (GRCh38, 1-based): chr20:3,200,358, C>T on the plus strand (G>A on the coding strand, the complement: DDRGK1 is on the minus strand). VCF-style: chr20-3200358-C-T. GRCh37 (hg19) VCF-style: chr20-3181004-C-T.
Other names: short protein forms R131Q.
Identifiers: ClinVar variation 4750868 (VCV004750868.1).

ClinVar aggregate classification (germline): Uncertain significance (1 of 4 stars; one submission).

gnomAD v4.1: 13 of 1,568,606 alleles (0.00083%); highest among the groups gnomAD compares: African/African-American, 0.0027%; no homozygotes.

Submission:

Labcorp Genetics (formerly Invitae), Labcorp
Classification: Uncertain significance. Last evaluated: 2025-03-05. Review status: criteria provided, single submitter. Criteria: Invitae Variant Classification Sherloc (09022015). Collection method: clinical testing. Allele origin: germline.
Comment: This sequence change replaces arginine, which is basic and polar, with glutamine, which is neutral and polar, at codon 131 of the DDRGK1 protein (p.Arg131Gln). The frequency data for this variant in the population databases is considered unreliable, as metrics indicate poor data quality at this position in the gnomAD database. This variant has not been reported in the literature in individuals affected with DDRGK1-related conditions. An algorithm developed to predict the effect of missense changes on protein structure and function (PolyPhen-2) suggests that this variant is likely to be disruptive. In summary, the available evidence is currently insufficient to determine the role of this variant in disease. Therefore, it has been classified as a Variant of Uncertain Significance.